The following is an entry in ClinVar:

NM_020719.3(PRR12):c.1255_1256del (p.Ser419fs)

Gene: PRR12 (proline rich 12; plus strand). Cytogenetic location: 19q13.33.
Variant type: Microsatellite.
Coding change: c.1255_1256del on transcript NM_020719.3 (MANE Select); coding-DNA positions 1255 to 1256, 2 bases deleted (AG; older notation c.1255_1256delAG).
Protein change: p.Ser419fs; shifts the reading frame from serine 419.
Molecular consequence: frameshift variant.
Genome position (GRCh38, 1-based): chr19:49,595,590-49,595,591, AG deleted; deleting any 2 consecutive bases within chr19:49,595,588-49,595,591 gives the same sequence; the c. name uses the placement nearest the transcript's 3' end. VCF-style (leftmost placement, unchanged base first): chr19-49595587-CAG-C. GRCh37 (hg19) VCF-style: chr19-50098844-CAG-C.
Other names: short protein forms S419fs.
Identifiers: ClinVar variation 1694935 (VCV001694935.31), dbSNP rs2122290201, ClinGen allele CA2580614940.

ClinVar aggregate classification (germline): Pathogenic (1 of 4 stars; one submission).

Submission:

CeGaT Center for Human Genetics Tuebingen
Classification: Pathogenic. Last evaluated: 2022-06-01. Review status: criteria provided, single submitter. Criteria: CeGaT Center For Human Genetics Tuebingen Variant Classification Criteria Version 2. Collection method: clinical testing. Allele origin: germline. Affected: yes. Observed: 1 variant allele.
Comment: PRR12: PVS1, PM2